The following is an entry in ClinVar:

ClinVar aggregate classification (germline): Benign/Likely benign. Review status: criteria provided, multiple submitters, no conflicts (2 of 4 stars). 3 submissions from 3 submitters: Benign (1); Likely benign (2). Last evaluated 2025-07-03.

Conditions:
Hereditary cancer-predisposing syndrome. Also called: Tumor predisposition; Neoplastic Syndromes, Hereditary; Hereditary Cancer Syndrome; Hereditary neoplastic syndrome. Identifiers: Orphanet 140162, MedGen C0027672, MeSH D009386, MONDO:0015356.
Ataxia-telangiectasia syndrome (AT). Also called: Ataxia-telangiectasia; Cerebello-oculocutaneous telangiectasia; Immunodeficiency with ataxia telangiectasia; ATAXIA-TELANGIECTASIA, COMPLEMENTATION GROUP A; ATAXIA-TELANGIECTASIA, FRESNO VARIANT; Ataxia-telangiectasia, complementation group D. Identifiers: Orphanet 100, MedGen C0004135, MONDO:0008840, OMIM 208900.
Familial cancer of breast. Also called: Hereditary breast cancer; BREAST CANCER, FAMILIAL; hereditary breast carcinoma. Identifiers: Orphanet 227535, MedGen C0346153, MONDO:0016419, OMIM 114480. Disease mechanism: loss of function.

Allele frequency attached by ClinVar (database versions not stated): gnomAD exomes below 0.00001.
gnomAD v4.1: 3 of 1,613,672 alleles (0.00019%); highest among the groups gnomAD compares: Non-Finnish European, 0.00025%; no homozygotes.

Submissions (3):

Labcorp Genetics (formerly Invitae), Labcorp
Classification: Likely benign for Ataxia-telangiectasia syndrome. Last evaluated: 2025-07-03. Review status: criteria provided, single submitter. Criteria: Invitae Variant Classification Sherloc (09022015). Collection method: clinical testing. Allele origin: germline.

Myriad Genetics, Inc.
Classification: Benign for Familial cancer of breast. Last evaluated: 2024-05-24. Review status: criteria provided, single submitter. Criteria: Myriad Autosomal Dominant, Autosomal Recessive and X-Linked Classification Criteria (2023). Collection method: clinical testing. Allele origin: unknown.
Comment: This variant is considered benign. This variant is a silent/synonymous amino acid change and it is not expected to impact splicing.

Ambry Genetics
Classification: Likely benign for Hereditary cancer-predisposing syndrome. Last evaluated: 2015-11-14. Review status: criteria provided, single submitter. Criteria: Ambry Variant Classification Scheme 2023. Collection method: clinical testing. Allele origin: germline.

NM_000051.4(ATM):c.5736T>C (p.Val1912=)

Gene: ATM (ATM serine/threonine kinase; plus strand). Cytogenetic location: 11q22.3.
Variant type: single nucleotide variant.
Coding change: c.5736T>C on transcript NM_000051.4 (MANE Select); coding-DNA position 5736, T replaced by C.
Protein change: p.Val1912=; no amino-acid change (valine 1912 retained).
Molecular consequence: synonymous variant.
Genome position (GRCh38, 1-based): chr11:108,307,958, T>C. VCF-style: chr11-108307958-T-C. GRCh37 (hg19) VCF-style: chr11-108178685-T-C.
Other names: c.5736T>C, p.Val1912= (NM_001351834.2).
Identifiers: ClinVar variation 414593 (VCV000414593.11), dbSNP rs1060504302, ClinGen allele CA16613388.